The following is an entry in ClinVar:

ClinVar aggregate classification (germline): Uncertain significance (1 of 4 stars; one submission).

Conditions:
Nephronophthisis. Also called: Juvenile Nephronophthisis. Identifiers: Orphanet 655, MedGen C0687120, MONDO:0019005, HP:0000090.

Allele frequency attached by ClinVar (database versions not stated): TOPMed 0.00005; gnomAD exomes 0.00006; ExAC 0.00010; gnomAD 0.00013; 1000 Genomes Project 30x 0.00016; 1000 Genomes Project 0.00020.
gnomAD v4.1: 108 of 1,612,832 alleles (0.0067%); highest among the groups gnomAD compares: East Asian, 0.0089%; no homozygotes.

Submission:

Labcorp Genetics (formerly Invitae), Labcorp
Classification: Uncertain significance for Nephronophthisis. Last evaluated: 2022-08-20. Review status: criteria provided, single submitter. Criteria: Invitae Variant Classification Sherloc (09022015). Collection method: clinical testing. Allele origin: germline.
Comment: In summary, the available evidence is currently insufficient to determine the role of this variant in disease. Therefore, it has been classified as a Variant of Uncertain Significance. Algorithms developed to predict the effect of missense changes on protein structure and function output the following: SIFT: "Tolerated"; PolyPhen-2: "Benign"; Align-GVGD: "Class C0". The serine amino acid residue is found in multiple mammalian species, which suggests that this missense change does not adversely affect protein function. This variant has not been reported in the literature in individuals affected with GLIS2-related conditions. This variant is present in population databases (rs200369676, gnomAD 0.08%). This sequence change replaces asparagine, which is neutral and polar, with serine, which is neutral and polar, at codon 93 of the GLIS2 protein (p.Asn93Ser).

NM_032575.3(GLIS2):c.278A>G (p.Asn93Ser)

Gene: GLIS2 (GLIS family zinc finger 2; plus strand). Cytogenetic location: 16p13.3.
Variant type: single nucleotide variant.
Coding change: c.278A>G on transcript NM_032575.3 (MANE Select); coding-DNA position 278, A replaced by G.
Protein change: p.Asn93Ser; replaces asparagine 93 with serine.
Molecular consequence: missense variant.
Genome position (GRCh38, 1-based): chr16:4,333,452, A>G. VCF-style: chr16-4333452-A-G. GRCh37 (hg19) VCF-style: chr16-4383453-A-G.
Other names: c.278A>G, p.Asn93Ser (NM_001318918.2); short protein forms N93S.
Identifiers: ClinVar variation 2070428 (VCV002070428.3), dbSNP rs200369676, ClinGen allele CA7872955.